The following is an entry in ClinVar:

ClinVar aggregate classification (germline): Uncertain significance. Review status: criteria provided, multiple submitters, no conflicts (2 of 4 stars). 5 submissions from 5 submitters: Uncertain significance (5). Last evaluated 2025-10-18.

Conditions:
Cardiomyopathy, familial hypertrophic 27. Identifiers: MedGen C4748014, MONDO:0054838, OMIM 618052.

Allele frequency attached by ClinVar (database versions not stated): gnomAD exomes below 0.00001.
gnomAD v4.1: 16 of 1,614,098 alleles (0.00099%); highest among the groups gnomAD compares: Non-Finnish European, 0.0014%; no homozygotes.

Submissions (5):

Labcorp Genetics (formerly Invitae), Labcorp
Classification: Uncertain significance. Last evaluated: 2025-10-18. Review status: criteria provided, single submitter. Criteria: Invitae Variant Classification Sherloc (09022015). Collection method: clinical testing. Allele origin: germline.
Comment: This sequence change replaces glycine, which is neutral and non-polar, with arginine, which is basic and polar, at codon 1633 of the ALPK3 protein (p.Gly1633Arg). The frequency data for this variant in the population databases is considered unreliable, as metrics indicate poor data quality at this position in the gnomAD database. This missense change has been observed in individual(s) with autosomal recessive hypertrophic cardiomyopathy (PMID: 33076350). ClinVar contains an entry for this variant (Variation ID: 1200170). Invitae Evidence Modeling of protein sequence and biophysical properties (such as structural, functional, and spatial information, amino acid conservation, physicochemical variation, residue mobility, and thermodynamic stability) indicates that this missense variant is expected to disrupt ALPK3 protein function with a positive predictive value of 80%. Algorithms developed to predict the effect of sequence changes on RNA splicing suggest that this variant may create or strengthen a splice site. In summary, the available evidence is currently insufficient to determine the role of this variant in disease. Therefore, it has been classified as a Variant of Uncertain Significance.

Clinical Genomics Laboratory, Stanford Medicine
Classification: Uncertain significance for Cardiomyopathy, familial hypertrophic 27. Last evaluated: 2023-08-21. Review status: criteria provided, single submitter. Criteria: ACMG Guidelines, 2015. Collection method: clinical testing. Allele origin: germline. Observed: 1 variant allele, 1 heterozygote.
Comment: The p.Gly1431Arg variant, also known as p.Gly1633Arg, in the ALPK3 gene has been previously reported in the homozygous state in an individual with hypertrophic cardiomyopathy and musculoskeletal abnormalities (Jorholt et al., 2020). This variant has been identified in 1/18,384 East Asian chromosomes (1/251,336 chromosomes overall) by the Genome Aggregation Database. This variant is present in ClinVar (VCV001200170.11). The glycine at position 1431 is strongly evolutionarily conserved. Computational tools predict that the p.Gly1431Arg variant is deleterious; however, the accuracy of in silico algorithms is limited. These data were assessed using the ACMG/AMP variant interpretation guidelines. In summary, the significance of the p.Gly1431Arg variant is uncertain. Additional information is needed to resolve the significance of this variant. [ACMG evidence codes used: PM2; PM3_Supporting; PP3]

Blueprint Genetics
Classification: Uncertain significance. Last evaluated: 2022-04-29. Review status: criteria provided, single submitter. Criteria: ACMG Guidelines, 2015. Collection method: clinical testing. Allele origin: germline.

Victorian Clinical Genetics Services, Murdoch Childrens Research Institute
Classification: Uncertain significance for Cardiomyopathy, familial hypertrophic 27. Last evaluated: 2022-02-02. Review status: criteria provided, single submitter. Criteria: ACMG Guidelines, 2015. Collection method: clinical testing. Allele origin: germline. Inheritance: Autosomal recessive inheritance. Affected: yes.
Comment: Based on the classification scheme VCGS_Germline_v1.3.4, this variant is classified as VUS-3A. Following criteria are met: 0102 - Loss of function is a known mechanism of disease in this gene and is associated with familial hypertrophic cardiomyopathy 27 (MIM#618052). (I) 0106 - This gene is associated with autosomal recessive disease. (I) 0200 - Variant is predicted to result in a missense amino acid change from glycine to arginine. (I) 0251 - This variant is heterozygous. (I) 0304 - Variant is present in gnomAD (v2) <0.01 for a recessive condition (1 heterozygote, 0 homozygotes). (SP) 0501 - Missense variant consistently predicted to be damaging by multiple in silico tools or highly conserved with a major amino acid change. (SP) 0600 - Variant is located in the annotated alpha kinase super family domain (NCBI, UniProt). (I) 0705 - No comparable missense variants have previous evidence for pathogenicity. (I) 0803 - This variant has limited previous evidence of pathogenicity in an unrelated individual. The variant has previously been reported homozygous in an individual with adult-onset HCM and mild skeletal muscle features (PMID: 33076350). (SP) 0905 - No published segregation evidence has been identified for this variant. (I) 1007 - No published functional evidence has been identified for this variant. (I) 1208 - Inheritance information for this variant is not currently available in this individual. (I) Legend: (SP) - Supporting pathogenic, (I) - Information, (SB) - Supporting benign

GeneDx
Classification: Uncertain significance. Last evaluated: 2020-08-24. Review status: criteria provided, single submitter. Criteria: GeneDx Variant Classification Process June 2021. Collection method: clinical testing. Allele origin: germline. Affected: yes.
Comment: Has not been previously published as pathogenic or benign to our knowledge; Not observed at a significant frequency in large population cohorts (Lek et al., 2016); In silico analysis, which includes protein predictors and evolutionary conservation, supports a deleterious effect; This variant is associated with the following publications: (PMID: 33076350)

Literature cited by the submitters: PubMed 33076350 (cited by 3 submitters).

NM_020778.5(ALPK3):c.4291G>A (p.Gly1431Arg)

Gene: ALPK3 (alpha kinase 3; plus strand). Cytogenetic location: 15q25.3.
Variant type: single nucleotide variant.
Coding change: c.4291G>A on transcript NM_020778.5 (MANE Select); coding-DNA position 4291, G replaced by A.
Protein change: p.Gly1431Arg; replaces glycine 1431 with arginine.
Molecular consequence: missense variant.
Genome position (GRCh38, 1-based): chr15:84,862,796, G>A. VCF-style: chr15-84862796-G-A. GRCh37 (hg19) VCF-style: chr15-85406027-G-A.
Other names: short protein forms G1431R.
Identifiers: ClinVar variation 1200170 (VCV001200170.14), dbSNP rs750258262, ClinGen allele CA273631369.